The following is an entry in ClinVar:

NM_001084.5(PLOD3):c.1043C>T (p.Pro348Leu)

Gene: PLOD3 (procollagen-lysine,2-oxoglutarate 5-dioxygenase 3; minus strand). Cytogenetic location: 7q22.1.
Variant type: single nucleotide variant.
Coding change: c.1043C>T on transcript NM_001084.5 (MANE Select); coding-DNA position 1043, C replaced by T.
Protein change: p.Pro348Leu; replaces proline 348 with leucine.
Molecular consequence: missense variant.
Genome position (GRCh38, 1-based): chr7:101,212,337, G>A on the plus strand (C>T on the coding strand, the complement: PLOD3 is on the minus strand). VCF-style: chr7-101212337-G-A. GRCh37 (hg19) VCF-style: chr7-100855618-G-A.
Other names: short protein forms P348L.
Identifiers: ClinVar variation 2160048 (VCV002160048.2), dbSNP rs780555355, ClinGen allele CA4407869.

ClinVar aggregate classification (germline): Uncertain significance (1 of 4 stars; one submission).

Allele frequency attached by ClinVar (database versions not stated): ExAC 0.00005.

Submission:

Labcorp Genetics (formerly Invitae), Labcorp
Classification: Uncertain significance. Last evaluated: 2022-02-08. Review status: criteria provided, single submitter. Criteria: Invitae Variant Classification Sherloc (09022015). Collection method: clinical testing. Allele origin: germline.
Comment: This sequence change replaces proline, which is neutral and non-polar, with leucine, which is neutral and non-polar, at codon 348 of the PLOD3 protein (p.Pro348Leu). In summary, the available evidence is currently insufficient to determine the role of this variant in disease. Therefore, it has been classified as a Variant of Uncertain Significance. Algorithms developed to predict the effect of missense changes on protein structure and function (SIFT, PolyPhen-2, Align-GVGD) all suggest that this variant is likely to be tolerated. This variant has not been reported in the literature in individuals affected with PLOD3-related conditions. This variant is present in population databases (rs780555355, gnomAD 0.01%).